The following is an entry in ClinVar:

ClinVar aggregate classification (germline): Uncertain significance. Review status: criteria provided, multiple submitters, no conflicts (2 of 4 stars). 2 submissions from 2 submitters: Uncertain significance (2). Last evaluated 2025-04-08.

Conditions:
GHR-related disorder. Also called: GHR-related condition.

Allele frequency attached by ClinVar (database versions not stated): TOPMed 0.00003.
gnomAD v4.1: 5 of 1,613,204 alleles (0.00031%); highest among the groups gnomAD compares: Admixed American, 0.0083%; no homozygotes.

Submissions (2):

Labcorp Genetics (formerly Invitae), Labcorp
Classification: Uncertain significance. Last evaluated: 2025-04-08. Review status: criteria provided, single submitter. Criteria: Invitae Variant Classification Sherloc (09022015). Collection method: clinical testing. Allele origin: germline.
Comment: This sequence change replaces tyrosine, which is neutral and polar, with serine, which is neutral and polar, at codon 248 of the GHR protein (p.Tyr248Ser). This variant is present in population databases (no rsID available, gnomAD 0.003%). This variant has not been reported in the literature in individuals affected with GHR-related conditions. ClinVar contains an entry for this variant (Variation ID: 2633188). Invitae Evidence Modeling of protein sequence and biophysical properties (such as structural, functional, and spatial information, amino acid conservation, physicochemical variation, residue mobility, and thermodynamic stability) indicates that this missense variant is not expected to disrupt GHR protein function with a negative predictive value of 80%. In summary, the available evidence is currently insufficient to determine the role of this variant in disease. Therefore, it has been classified as a Variant of Uncertain Significance.

PreventionGenetics, part of Exact Sciences
Classification: Uncertain significance for GHR-related condition. Last evaluated: 2023-05-17. Review status: criteria provided, single submitter. Criteria: ACMG Guidelines, 2015. Collection method: clinical testing. Allele origin: germline.
Comment: The GHR c.743A>C variant is predicted to result in the amino acid substitution p.Tyr248Ser. To our knowledge, this variant has not been reported in the literature. This variant is reported in 0.0029% of alleles in individuals of Latino descent in gnomAD. At this time, the clinical significance of this variant is uncertain due to the absence of conclusive functional and genetic evidence.

NM_000163.5(GHR):c.743A>C (p.Tyr248Ser)

Gene: GHR (growth hormone receptor; plus strand). Cytogenetic location: 5p12.
Variant type: single nucleotide variant.
Coding change: c.743A>C on transcript NM_000163.5 (MANE Select); coding-DNA position 743, A replaced by C.
Protein change: p.Tyr248Ser; replaces tyrosine 248 with serine.
Molecular consequence: missense variant.
Genome position (GRCh38, 1-based): chr5:42,711,331, A>C. VCF-style: chr5-42711331-A-C. GRCh37 (hg19) VCF-style: chr5-42711433-A-C.
Other names: c.764A>C, p.Tyr255Ser (NM_001242399.2); c.743A>C, p.Tyr248Ser (NM_001242400.2, NM_001242401.4, NM_001242402.2 and 5 more transcripts); c.677A>C, p.Tyr226Ser (NM_001242460.2); short protein forms Y226S, Y248S, Y255S.
Identifiers: ClinVar variation 2633188 (VCV002633188.2), dbSNP rs557134454, ClinGen allele CA359696049.